The following is an entry in ClinVar:

NM_000807.4(GABRA2):c.1191C>G (p.Asn397Lys)

Gene: GABRA2 (gamma-aminobutyric acid type A receptor subunit alpha2; minus strand). Cytogenetic location: 4p12.
Variant type: single nucleotide variant.
Coding change: c.1191C>G on transcript NM_000807.4 (MANE Select); coding-DNA position 1191, C replaced by G.
Protein change: p.Asn397Lys; replaces asparagine 397 with lysine.
Molecular consequence: missense variant.
Genome position (GRCh38, 1-based): chr4:46,250,473, G>C on the plus strand (C>G on the coding strand, the complement: GABRA2 is on the minus strand). VCF-style: chr4-46250473-G-C. GRCh37 (hg19) VCF-style: chr4-46252490-G-C.
Other names: c.1191C>G, p.Asn397Lys (NM_001114175.3, NM_001377146.1, NM_001377147.1 and 4 more transcripts); c.1206C>G, p.Asn402Lys (NM_001286827.3); c.1371C>G, p.Asn457Lys (NM_001330690.2, NM_001377144.1, NM_001377145.1); c.1026C>G, p.Asn342Lys (NM_001377152.1, NM_001377153.1, NM_001377154.1); short protein forms N342K, N397K, N402K, N457K.
Identifiers: ClinVar variation 3612382 (VCV003612382.2).
Genomic context (GRCh38, chr4:46,250,473, plus strand): 5'-AATTTTGCTAACACTGTTGAAAGTTTTCTTTGCTTCAGCTGGCTTGTTTTCTGGCTTCTT[G>C]TTGGGTTCTGGCGTGGTTGCACTCTTGGAGATGGTGGAGAGAACTGGATCTTTTGAAAGA-3'
Protein context (NP_000798.2, residues 387-407): ISKSATTPEP[Asn397Lys]KKPENKPAEA

ClinVar aggregate classification (germline): Uncertain significance (1 of 4 stars; one submission).

gnomAD v4.1: 9 of 1,612,054 alleles (0.00056%); highest among the groups gnomAD compares: South Asian, 0.0066%; no homozygotes.

Submission:

Labcorp Genetics (formerly Invitae), Labcorp
Classification: Uncertain significance. Last evaluated: 2026-02-02. Review status: criteria provided, single submitter. Criteria: Invitae Variant Classification Sherloc (09022015). Collection method: clinical testing. Allele origin: germline.
Comment: This sequence change replaces asparagine, which is neutral and polar, with lysine, which is basic and polar, at codon 457 of the GABRA2 protein (p.Asn457Lys). This variant is present in population databases (rs772937785, gnomAD 0.01%). This variant has not been reported in the literature in individuals affected with GABRA2-related conditions. ClinVar contains an entry for this variant (Variation ID: 3612382). Experimental studies and prediction algorithms are not available or were not evaluated, and the functional significance of this variant is currently unknown. In summary, the available evidence is currently insufficient to determine the role of this variant in disease. Therefore, it has been classified as a Variant of Uncertain Significance.